The following is an entry in ClinVar:

ClinVar aggregate classification (germline): Uncertain significance. Review status: criteria provided, multiple submitters, no conflicts (2 of 4 stars). 2 submissions from 2 submitters: Uncertain significance (2). Last evaluated 2022-07-23.

Conditions:
Cardiovascular phenotype. Identifiers: MedGen CN230736.

Submissions (2):

Ambry Genetics
Classification: Uncertain significance for Cardiovascular phenotype. Last evaluated: 2022-07-23. Review status: criteria provided, single submitter. Criteria: Ambry Variant Classification Scheme 2023. Collection method: clinical testing. Allele origin: germline.
Comment: The p.P1259T variant (also known as c.3775C>A), located in coding exon 23 of the SOS1 gene, results from a C to A substitution at nucleotide position 3775. The proline at codon 1259 is replaced by threonine, an amino acid with highly similar properties. This amino acid position is conserved. In addition, this alteration is predicted to be tolerated by in silico analysis. Since supporting evidence is limited at this time, the clinical significance of this alteration remains unclear.

CeGaT Center for Human Genetics Tuebingen
Classification: Uncertain significance. Last evaluated: 2022-07-01. Review status: criteria provided, single submitter. Criteria: CeGaT Center For Human Genetics Tuebingen Variant Classification Criteria Version 2. Collection method: clinical testing. Allele origin: germline. Affected: yes. Observed: 1 variant allele.
Comment: SOS1: PM2

NM_005633.4(SOS1):c.3775C>A (p.Pro1259Thr)

Gene: SOS1 (SOS Ras/Rac guanine nucleotide exchange factor 1; minus strand). Cytogenetic location: 2p22.1.
Variant type: single nucleotide variant.
Coding change: c.3775C>A on transcript NM_005633.4 (MANE Select); coding-DNA position 3775, C replaced by A.
Protein change: p.Pro1259Thr; replaces proline 1259 with threonine.
Molecular consequence: missense variant.
Genome position (GRCh38, 1-based): chr2:38,986,051, G>T on the plus strand (C>A on the coding strand, the complement: SOS1 is on the minus strand). VCF-style: chr2-38986051-G-T. GRCh37 (hg19) VCF-style: chr2-39213192-G-T.
Other names: c.3754C>A, p.Pro1252Thr (NM_001382394.1); c.3730C>A, p.Pro1244Thr (NM_001382395.1); short protein forms P1252T, P1244T, P1259T.
Identifiers: ClinVar variation 1734792 (VCV001734792.26), dbSNP rs2528870681, ClinGen allele CA346362343.
Genomic context (GRCh38, chr2:38,986,051, plus strand): 5'-TCAATGGTGGTGATGGCAGATGCCTTCTTGTGCCGTGAGGAGAAGGTGTTTGAGGAGGAG[G>T]TGGTGTAAAGGGGGAAGGGCTGTTTGGGAAGAAGGCATTGCCATGGTCACTTTTTTTGCC-3'
Protein context (NP_005624.2, residues 1249-1269): FPNSPSPFTP[Pro1259Thr]PPQTPSPHGT